The following is an entry in ClinVar:

NM_014049.5(ACAD9):c.1222dup (p.Arg408fs)

Gene: ACAD9 (acyl-CoA dehydrogenase family member 9; plus strand). Cytogenetic location: 3q21.3.
Variant type: Duplication.
Coding change: c.1222dup on transcript NM_014049.5 (MANE Select); coding-DNA position 1222, one base duplicated (A; older notation c.1222dupA).
Protein change: p.Arg408fs; shifts the reading frame from arginine 408.
Molecular consequence: frameshift variant. On other transcripts: non-coding transcript variant (1).
Genome position (GRCh38, 1-based): chr3:128,906,193, A duplicated; the last of 2 consecutive A bases (chr3:128,906,192-128,906,193); duplicating either gives the same sequence. VCF-style (leftmost placement, unchanged base first): chr3-128906191-C-CA. GRCh37 (hg19) VCF-style: chr3-128625034-C-CA.
Other names: short protein forms R408fs.
Identifiers: ClinVar variation 1385310 (VCV001385310.6), dbSNP rs1385531173, ClinGen allele CA898721020.
Genomic context (GRCh38, chr3:128,906,191, plus strand): 5'-CCGAGGCCGCCTGGCAGTGTGTGAGTGAGGCGCTGCAGATCCTCGGGGGCTTGGGCTACA[C>CA]AAGGGACTATCCGTACGAGCGCATACTGCGTGACACCCGCATCCTCCTCATCTTCGAGGT-3'

ClinVar aggregate classification (germline): Pathogenic (1 of 4 stars; one submission).

Submission:

Labcorp Genetics (formerly Invitae), Labcorp
Classification: Pathogenic. Last evaluated: 2022-08-23. Review status: criteria provided, single submitter. Criteria: Invitae Variant Classification Sherloc (09022015). Collection method: clinical testing. Allele origin: germline.
Comment: This sequence change creates a premature translational stop signal (p.Arg408Lysfs*11) in the ACAD9 gene. It is expected to result in an absent or disrupted protein product. Loss-of-function variants in ACAD9 are known to be pathogenic (PMID: 25721401). For these reasons, this variant has been classified as Pathogenic. ClinVar contains an entry for this variant (Variation ID: 1385310). This variant has not been reported in the literature in individuals affected with ACAD9-related conditions. This variant is not present in population databases (gnomAD no frequency).

Literature cited by the submitters: PubMed 25721401.